The following is an entry in ClinVar:

ClinVar aggregate classification (germline): Pathogenic/Likely pathogenic. Review status: criteria provided, multiple submitters, no conflicts (2 of 4 stars). 4 submissions from 4 submitters: Pathogenic (2); Likely pathogenic (2). Last evaluated 2023-09-22.

Conditions:
LAMA2-related disorder. Also called: LAMA2-related condition; LAMA2-related disorders.
LAMA2-related muscular dystrophy (LAMA2-RD). Also called: Laminin alpha 2-related dystrophy. Identifiers: MedGen C5679788, MONDO:0100228.

Submissions (4):

Labcorp Genetics (formerly Invitae), Labcorp
Classification: Pathogenic for LAMA2-related muscular dystrophy. Last evaluated: 2023-09-22. Review status: criteria provided, single submitter. Criteria: Invitae Variant Classification Sherloc (09022015). Collection method: clinical testing. Allele origin: germline.
Comment: For these reasons, this variant has been classified as Pathogenic. ClinVar contains an entry for this variant (Variation ID: 92986). This variant has not been reported in the literature in individuals affected with LAMA2-related conditions. This variant is present in population databases (rs769582085, gnomAD 0.01%). This sequence change creates a premature translational stop signal (p.Asp2513Ilefs*34) in the LAMA2 gene. It is expected to result in an absent or disrupted protein product. Loss-of-function variants in LAMA2 are known to be pathogenic (PMID: 18700894, 32904964).

GeneDx
Classification: Likely pathogenic. Last evaluated: 2023-07-14. Review status: criteria provided, single submitter. Criteria: GeneDx Variant Classification Process June 2021. Collection method: clinical testing. Allele origin: germline. Affected: yes.
Comment: Frameshift variant predicted to result in protein truncation or nonsense mediated decay in a gene for which loss of function is a known mechanism of disease; Not observed at significant frequency in large population cohorts (gnomAD); Reported as a suspected founder mutation in Russian populations (Milovidova et al., 2018; Ramensky et al., 2021); This variant is associated with the following publications: (PMID: 32904964, 18700894, 34691145, Dadali2010[article], Milovidova2018[article], 30055037)

Blueprint Genetics
Classification: Likely pathogenic for LAMA2-related disorders. Last evaluated: 2023-01-04. Review status: criteria provided, single submitter. Criteria: ACMG Guidelines, 2015. Collection method: clinical testing. Allele origin: germline. Affected: yes. Observed: 4 variant alleles.

Eurofins Ntd Llc (ga)
Classification: Pathogenic. Last evaluated: 2012-09-11. Review status: criteria provided, single submitter. Criteria: EGL Classification Definitions. Collection method: clinical testing. Allele origin: germline. Observed: 2 variant alleles, 2 heterozygotes.

Literature cited by the submitters: PubMed 18700894 (cited by Labcorp Genetics (formerly Invitae), Labcorp); PubMed 32904964 (cited by Labcorp Genetics (formerly Invitae), Labcorp).

NM_000426.4(LAMA2):c.7536del (p.Asp2513fs)

Gene: LAMA2 (laminin subunit alpha 2; plus strand). Cytogenetic location: 6q22.33.
Variant type: Deletion.
Coding change: c.7536del on transcript NM_000426.4 (MANE Select); coding-DNA position 7536, one base deleted (C; older notation c.7536delC).
Protein change: p.Asp2513fs; shifts the reading frame from aspartic acid 2513.
Molecular consequence: frameshift variant.
Genome position (GRCh38, 1-based): chr6:129,478,777, C deleted; the last of 3 consecutive C bases (chr6:129,478,775-129,478,777); deleting any one gives the same sequence. VCF-style (leftmost placement, unchanged base first): chr6-129478774-TC-T. GRCh37 (hg19) VCF-style: chr6-129799919-TC-T.
Other names: c.7536delC (NM_000426.3); c.7524del, p.Asp2509fs (NM_001079823.2); short protein forms D2509fs, D2513fs.
Identifiers: ClinVar variation 92986 (VCV000092986.15), dbSNP rs398123387, ClinGen allele CA220806.